The following is an entry in ClinVar:

NM_014915.3(ANKRD26):c.778A>G (p.Thr260Ala)

Gene: ANKRD26 (ankyrin repeat domain 26; minus strand). Cytogenetic location: 10p12.1.
Variant type: single nucleotide variant.
Coding change: c.778A>G on transcript NM_014915.3 (MANE Select); coding-DNA position 778, A replaced by G.
Protein change: p.Thr260Ala; replaces threonine 260 with alanine.
Molecular consequence: missense variant.
Genome position (GRCh38, 1-based): chr10:27,079,124, T>C on the plus strand (A>G on the coding strand, the complement: ANKRD26 is on the minus strand). VCF-style: chr10-27079124-T-C. GRCh37 (hg19) VCF-style: chr10-27368053-T-C.
Other names: c.778A>G, p.Thr260Ala (NM_001256053.2); short protein forms T260A.
Identifiers: ClinVar variation 3914691 (VCV003914691.2).

ClinVar aggregate classification (germline): Uncertain significance. Review status: criteria provided, multiple submitters, no conflicts (2 of 4 stars). 2 submissions from 2 submitters: Uncertain significance (2). Last evaluated 2025-06-29.

Conditions:
Inborn genetic diseases. Identifiers: MedGen C0950123, MeSH D030342.

gnomAD v4.1: 9 of 1,613,844 alleles (0.00056%); highest among the groups gnomAD compares: South Asian, 0.0011%; no homozygotes.

Submissions (2):

Labcorp Genetics (formerly Invitae), Labcorp
Classification: Uncertain significance. Last evaluated: 2025-06-29. Review status: criteria provided, single submitter. Criteria: Invitae Variant Classification Sherloc (09022015). Collection method: clinical testing. Allele origin: germline.
Comment: This sequence change replaces threonine, which is neutral and polar, with alanine, which is neutral and non-polar, at codon 260 of the ANKRD26 protein (p.Thr260Ala). This variant is not present in population databases (gnomAD no frequency). This variant has not been reported in the literature in individuals affected with ANKRD26-related conditions. An algorithm developed to predict the effect of missense changes on protein structure and function (PolyPhen-2) suggests that this variant is likely to be tolerated. In summary, the available evidence is currently insufficient to determine the role of this variant in disease. Therefore, it has been classified as a Variant of Uncertain Significance.

Ambry Genetics
Classification: Uncertain significance for Inborn genetic diseases. Last evaluated: 2025-05-21. Review status: criteria provided, single submitter. Criteria: Ambry Variant Classification Scheme 2023. Collection method: clinical testing. Allele origin: germline.
Comment: The p.T260A variant (also known as c.778A>G), located in coding exon 7 of the ANKRD26 gene, results from an A to G substitution at nucleotide position 778. The threonine at codon 260 is replaced by alanine, an amino acid with similar properties. This amino acid position is conserved. In addition, this alteration is predicted to be tolerated by in silico analysis. Based on the available evidence, the clinical significance of this variant remains unclear.